The following is an entry in ClinVar:

NM_000075.4(CDK4):c.531A>G (p.Thr177=)

Gene: CDK4 (cyclin dependent kinase 4; minus strand). Cytogenetic location: 12q14.1.
Variant type: single nucleotide variant.
Coding change: c.531A>G on transcript NM_000075.4 (MANE Select); coding-DNA position 531, A replaced by G.
Protein change: p.Thr177=; no amino-acid change (threonine 177 retained).
Molecular consequence: synonymous variant.
Genome position (GRCh38, 1-based): chr12:57,750,757, T>C on the plus strand (A>G on the coding strand, the complement: CDK4 is on the minus strand). VCF-style: chr12-57750757-T-C. GRCh37 (hg19) VCF-style: chr12-58144540-T-C.
Other names: c.531A>G (NM_000075.3).
Identifiers: ClinVar variation 1673693 (VCV001673693.10), dbSNP rs2140385880, ClinGen allele CA480301419.

ClinVar aggregate classification (germline): Benign/Likely benign. Review status: criteria provided, multiple submitters, no conflicts (2 of 4 stars). 3 submissions from 3 submitters: Benign (1); Likely benign (2). Last evaluated 2024-09-26.

Conditions:
Familial melanoma. Also called: Hereditary melanoma; Hereditary cutaneous melanoma. Identifiers: Orphanet 618, MedGen C1512419, MONDO:0018961.
Hereditary cancer-predisposing syndrome. Also called: Tumor predisposition; Hereditary neoplastic syndrome; Hereditary Cancer Syndrome; Neoplastic Syndromes, Hereditary. Identifiers: Orphanet 140162, MedGen C0027672, MeSH D009386, MONDO:0015356.
Melanoma, cutaneous malignant, susceptibility to, 3. Also called: Cutaneous malignant melanoma 3. Identifiers: Orphanet 618, MedGen C1836892, MONDO:0012183, OMIM 609048.

gnomAD v4.1: 1 of 1,613,418 alleles (0.000062%); highest among the groups gnomAD compares: Middle Eastern, 0.017%; no homozygotes.

Submissions (3):

Myriad Genetics, Inc.
Classification: Benign for Melanoma, cutaneous malignant, susceptibility to, 3. Last evaluated: 2024-09-26. Review status: criteria provided, single submitter. Criteria: Myriad Autosomal Dominant, Autosomal Recessive and X-Linked Classification Criteria (2023). Collection method: clinical testing. Allele origin: unknown.
Comment: This variant is considered benign. This variant is a silent/synonymous amino acid change and it is not expected to impact splicing.

Ambry Genetics
Classification: Likely benign for Hereditary cancer-predisposing syndrome. Last evaluated: 2022-12-25. Review status: criteria provided, single submitter. Criteria: Ambry Variant Classification Scheme 2023. Collection method: clinical testing. Allele origin: germline.

Labcorp Genetics (formerly Invitae), Labcorp
Classification: Likely benign for Familial melanoma. Last evaluated: 2021-07-10. Review status: criteria provided, single submitter. Criteria: Invitae Variant Classification Sherloc (09022015). Collection method: clinical testing. Allele origin: germline.